The following is an entry in ClinVar:

ClinVar aggregate classification (germline): Uncertain significance. Review status: criteria provided, multiple submitters, no conflicts (2 of 4 stars). 3 submissions from 3 submitters: Uncertain significance (3). Last evaluated 2024-01-05.

Conditions:
Inborn genetic diseases. Identifiers: MedGen C0950123, MeSH D030342.
Nephronophthisis 15 (NPHP15). Identifiers: Orphanet 3156, MedGen C3541853, MONDO:0013917, OMIM 614845.

Allele frequency attached by ClinVar (database versions not stated): gnomAD 0.00003; TOPMed 0.00003; gnomAD exomes 0.00007 and 0.00019; ExAC 0.00015.
gnomAD v4.1: 156 of 958,488 alleles (0.016%); highest among the groups gnomAD compares: Non-Finnish European, 0.022%; no homozygotes.

Submissions (3):

Fulgent Genetics
Classification: Uncertain significance for Nephronophthisis 15. Last evaluated: 2024-01-05. Review status: criteria provided, single submitter. Criteria: ACMG Guidelines, 2015. Collection method: clinical testing. Allele origin: germline.

Ambry Genetics
Classification: Uncertain significance for Inborn genetic diseases. Last evaluated: 2023-01-17. Review status: criteria provided, single submitter. Criteria: Ambry Variant Classification Scheme 2023. Collection method: clinical testing. Allele origin: germline.

Labcorp Genetics (formerly Invitae), Labcorp
Classification: Uncertain significance for Nephronophthisis 15. Last evaluated: 2022-06-29. Review status: criteria provided, single submitter. Criteria: Invitae Variant Classification Sherloc (09022015). Collection method: clinical testing. Allele origin: germline.
Comment: This sequence change replaces lysine, which is basic and polar, with glutamic acid, which is acidic and polar, at codon 113 of the CEP164 protein (p.Lys113Glu). The frequency data for this variant in the population databases is considered unreliable, as metrics indicate poor data quality at this position in the gnomAD database. This variant has not been reported in the literature in individuals affected with CEP164-related conditions. Algorithms developed to predict the effect of missense changes on protein structure and function (SIFT, PolyPhen-2, Align-GVGD) all suggest that this variant is likely to be tolerated. In summary, the available evidence is currently insufficient to determine the role of this variant in disease. Therefore, it has been classified as a Variant of Uncertain Significance.

NM_014956.5(CEP164):c.337A>G (p.Lys113Glu)

Gene: CEP164 (centrosomal protein 164; plus strand). Cytogenetic location: 11q23.3.
Variant type: single nucleotide variant.
Coding change: c.337A>G on transcript NM_014956.5 (MANE Select); coding-DNA position 337, A replaced by G.
Protein change: p.Lys113Glu; replaces lysine 113 with glutamic acid.
Molecular consequence: missense variant.
Genome position (GRCh38, 1-based): chr11:117,351,932, A>G. VCF-style: chr11-117351932-A-G. GRCh37 (hg19) VCF-style: chr11-117222648-A-G.
Other names: c.337A>G, p.Lys113Glu (NM_001271933.2); c.337A>G (NM_014956.4); short protein forms K113E.
Identifiers: ClinVar variation 1428039 (VCV001428039.6), dbSNP rs75301270, ClinGen allele CA6294404.